The following is an entry in ClinVar:

NM_004589.4(SCO1):c.758A>G (p.Asp253Gly)

Gene: SCO1 (synthesis of cytochrome C oxidase 1; minus strand). Cytogenetic location: 17p13.1.
Variant type: single nucleotide variant.
Coding change: c.758A>G on transcript NM_004589.4 (MANE Select); coding-DNA position 758, A replaced by G.
Protein change: p.Asp253Gly; replaces aspartic acid 253 with glycine.
Molecular consequence: missense variant.
Genome position (GRCh38, 1-based): chr17:10,686,740, T>C on the plus strand (A>G on the coding strand, the complement: SCO1 is on the minus strand). VCF-style: chr17-10686740-T-C. GRCh37 (hg19) VCF-style: chr17-10590057-T-C.
Other names: short protein forms D253G.
Identifiers: ClinVar variation 1510860 (VCV001510860.6), dbSNP rs1403148350, ClinGen allele CA398128531.

ClinVar aggregate classification (germline): Uncertain significance (1 of 4 stars; one submission).

Allele frequency attached by ClinVar (database versions not stated): gnomAD exomes below 0.00001.
gnomAD v4.1: 2 of 1,608,446 alleles (0.00012%); highest among the groups gnomAD compares: Admixed American, 0.0017%; no homozygotes.

Submission:

Labcorp Genetics (formerly Invitae), Labcorp
Classification: Uncertain significance. Last evaluated: 2021-12-02. Review status: criteria provided, single submitter. Criteria: Invitae Variant Classification Sherloc (09022015). Collection method: clinical testing. Allele origin: germline.
Comment: In summary, the available evidence is currently insufficient to determine the role of this variant in disease. Therefore, it has been classified as a Variant of Uncertain Significance. Algorithms developed to predict the effect of sequence changes on RNA splicing suggest that this variant may create or strengthen a splice site. This sequence change replaces aspartic acid, which is acidic and polar, with glycine, which is neutral and non-polar, at codon 253 of the SCO1 protein (p.Asp253Gly). This variant is present in population databases (no rsID available, gnomAD 0.003%). This variant has not been reported in the literature in individuals affected with SCO1-related conditions. Algorithms developed to predict the effect of missense changes on protein structure and function are either unavailable or do not agree on the potential impact of this missense change (SIFT: "Deleterious"; PolyPhen-2: "Probably Damaging"; Align-GVGD: "Class C15").